The following is an entry in ClinVar:

ClinVar aggregate classification (germline): Uncertain significance (1 of 4 stars; one submission).

Conditions:
Hepatic veno-occlusive disease-immunodeficiency syndrome. Also called: Hepatic Veno-Occlusive Disease with Immunodeficiency. Identifiers: Orphanet 79124, MedGen C1856128, MONDO:0009338, OMIM 235550. Disease mechanism: loss of function.

Allele frequency attached by ClinVar (database versions not stated): TOPMed below 0.00001.

Submission:

Labcorp Genetics (formerly Invitae), Labcorp
Classification: Uncertain significance for Hepatic veno-occlusive disease-immunodeficiency syndrome. Last evaluated: 2020-12-27. Review status: criteria provided, single submitter. Criteria: Invitae Variant Classification Sherloc (09022015). Collection method: clinical testing. Allele origin: germline.
Comment: Algorithms developed to predict the effect of missense changes on protein structure and function output the following: SIFT: "Tolerated"; PolyPhen-2: "Benign"; Align-GVGD: "Class C0". The arginine amino acid residue is found in multiple mammalian species, suggesting that this missense change does not adversely affect protein function. These predictions have not been confirmed by published functional studies and their clinical significance is uncertain. This variant has not been reported in the literature in individuals with SP110-related conditions. This variant is not present in population databases (ExAC no frequency). This sequence change replaces serine with arginine at codon 171 of the SP110 protein (p.Ser171Arg). The serine residue is weakly conserved and there is a moderate physicochemical difference between serine and arginine. In summary, the available evidence is currently insufficient to determine the role of this variant in disease. Therefore, it has been classified as a Variant of Uncertain Significance.

NM_080424.4(SP110):c.513T>G (p.Ser171Arg)

Genes: SP140 (SP140 nuclear body protein; plus strand), SP110 (SP110 nuclear body protein; minus strand). Cytogenetic location: 2q37.1.
Variant type: single nucleotide variant.
Coding change: c.513T>G on transcript NM_080424.4 (MANE Select); coding-DNA position 513, T replaced by G.
Protein change: p.Ser171Arg; replaces serine 171 with arginine.
Molecular consequence: missense variant.
Genome position (GRCh38, 1-based): chr2:230,212,831, A>C on the plus strand (T>G on the coding strand, the complement: SP110 is on the minus strand). VCF-style: chr2-230212831-A-C. GRCh37 (hg19) VCF-style: chr2-231077546-A-C.
Other names: c.531T>G, p.Ser177Arg (NM_001185015.2, NM_001378442.1, NM_001378444.1 and 2 more transcripts); c.513T>G, p.Ser171Arg (NM_001378443.1, NM_001378447.1, NM_004509.5 and 1 more transcripts); short protein forms S171R, S177R.
Identifiers: ClinVar variation 1503128 (VCV001503128.8), dbSNP rs529350933, ClinGen allele CA350916348.